The following is an entry in ClinVar:

ClinVar aggregate classification (germline): Uncertain significance (1 of 4 stars; one submission).

Conditions:
Primary ciliary dyskinesia. Also called: Ciliary dyskinesia. Identifiers: Orphanet 244, MedGen C0008780, MONDO:0016575, HP:0012265.

Submission:

Labcorp Genetics (formerly Invitae), Labcorp
Classification: Uncertain significance for Primary ciliary dyskinesia. Last evaluated: 2021-01-27. Review status: criteria provided, single submitter. Criteria: Invitae Variant Classification Sherloc (09022015). Collection method: clinical testing. Allele origin: germline.
Comment: In summary, the available evidence is currently insufficient to determine the role of this variant in disease. Therefore, it has been classified as a Variant of Uncertain Significance. Algorithms developed to predict the effect of missense changes on protein structure and function are either unavailable or do not agree on the potential impact of this missense change (SIFT: "Deleterious"; PolyPhen-2: "Not Available"; Align-GVGD: "Class C15"). This variant has not been reported in the literature in individuals with DNAH8-related conditions. This variant is not present in population databases (ExAC no frequency). This sequence change replaces asparagine with aspartic acid at codon 3501 of the DNAH8 protein (p.Asn3501Asp). The asparagine residue is highly conserved and there is a small physicochemical difference between asparagine and aspartic acid.

NM_001206927.2(DNAH8):c.10501A>G (p.Asn3501Asp)

Genes: DNAH8 (dynein axonemal heavy chain 8; plus strand), DNAH8-AS1 (DNAH8 antisense RNA 1; minus strand). Cytogenetic location: 6p21.2.
Variant type: single nucleotide variant.
Coding change: c.10501A>G on transcript NM_001206927.2 (MANE Select); coding-DNA position 10501, A replaced by G.
Protein change: p.Asn3501Asp; replaces asparagine 3501 with aspartic acid.
Molecular consequence: missense variant.
Genome position (GRCh38, 1-based): chr6:38,918,117, A>G. VCF-style: chr6-38918117-A-G. GRCh37 (hg19) VCF-style: chr6-38885893-A-G.
Other names: c.9850A>G, p.Asn3284Asp (NM_001371.4); short protein forms N3501D, N3284D.
Identifiers: ClinVar variation 1405273 (VCV001405273.8), dbSNP rs2150548095, ClinGen allele CA364009772.
Genomic context (GRCh38, chr6:38,918,117, plus strand): 5'-TGTGGGAATGTGGCTGGTCTCCTGTCTTGGACACTTGCTATGGCAATATTTTATGGCATC[A>G]ATAGAGAAGTGTTGCCTCTGAAGGTAAAAGTTTCCTTCCTTCTCCCAGTAAATCAATATT-3'
Protein context (NP_001193856.1, residues 3491-3511): TLAMAIFYGI[Asn3501Asp]REVLPLKANL